The following is an entry in ClinVar:

ClinVar aggregate classification (germline): Uncertain significance (1 of 4 stars; one submission).

Conditions:
Progressive myoclonic epilepsy type 5. Identifiers: Orphanet 402082, MedGen C5190799.

gnomAD v4.1: 1 of 1,597,188 alleles (0.000063%); highest among the groups gnomAD compares: African/African-American, 0.0013%; no homozygotes.

Submission:

Labcorp Genetics (formerly Invitae), Labcorp
Classification: Uncertain significance for Progressive myoclonic epilepsy type 5. Last evaluated: 2023-06-25. Review status: criteria provided, single submitter. Criteria: Invitae Variant Classification Sherloc (09022015). Collection method: clinical testing. Allele origin: germline.
Comment: This sequence change replaces glutamine, which is neutral and polar, with lysine, which is basic and polar, at codon 725 of the PRICKLE2 protein (p.Gln725Lys). This variant is not present in population databases (gnomAD no frequency). This variant has not been reported in the literature in individuals affected with PRICKLE2-related conditions. An algorithm developed to predict the effect of missense changes on protein structure and function (PolyPhen-2) suggests that this variant is likely to be tolerated. In summary, the available evidence is currently insufficient to determine the role of this variant in disease. Therefore, it has been classified as a Variant of Uncertain Significance.

NM_198859.4(PRICKLE2):c.2173C>A (p.Gln725Lys)

Genes: PRICKLE2 (prickle planar cell polarity protein 2; minus strand), PRICKLE2-AS1 (PRICKLE2 antisense RNA 1; plus strand). Cytogenetic location: 3p14.1.
Variant type: single nucleotide variant.
Coding change: c.2173C>A on transcript NM_198859.4 (MANE Select); coding-DNA position 2173, C replaced by A.
Protein change: p.Gln725Lys; replaces glutamine 725 with lysine.
Molecular consequence: missense variant. On other transcripts: non-coding transcript variant (1).
Genome position (GRCh38, 1-based): chr3:64,099,413, G>T on the plus strand (C>A on the coding strand, the complement: PRICKLE2 is on the minus strand). VCF-style: chr3-64099413-G-T. GRCh37 (hg19) VCF-style: chr3-64085089-G-T.
Other names: c.2173C>A, p.Gln725Lys (NM_001370528.1); short protein forms Q725K.
Identifiers: ClinVar variation 2991138 (VCV002991138.3), dbSNP rs2471101149, ClinGen allele CA353426628.